The following is an entry in ClinVar:

NM_005546.4(ITK):c.*486G>T

Gene: ITK (IL2 inducible T cell kinase; plus strand). Cytogenetic location: 5q33.3.
Variant type: single nucleotide variant.
Coding change: c.*486G>T on transcript NM_005546.4 (MANE Select); 486 bases downstream of the stop codon, G replaced by T.
Molecular consequence: 3 prime UTR variant.
Genome position (GRCh38, 1-based): chr5:157,253,164, G>T. VCF-style: chr5-157253164-G-T. GRCh37 (hg19) VCF-style: chr5-156680174-G-T.
Identifiers: ClinVar variation 352482 (VCV000352482.5), dbSNP rs116624314, ClinGen allele CA10621071.

ClinVar aggregate classification (germline): Benign (1 of 4 stars; one submission).

Conditions:
Lymphoproliferative syndrome 1 (LPFS1). Identifiers: Orphanet 238505, Orphanet 538963, MedGen C3552634, MONDO:0013081, OMIM 613011.

Allele frequency attached by ClinVar (database versions not stated): 1000 Genomes Project 0.01258; 1000 Genomes Project 30x 0.01312; TOPMed 0.01574.
gnomAD v4.1: 2,307 of 291,768 alleles (0.79%); highest among the groups gnomAD compares: African/African-American, 4.3%; 59 homozygotes.

Submission:

Illumina Laboratory Services, Illumina
Classification: Benign for Lymphoproliferative syndrome 1. Last evaluated: 2018-01-13. Review status: criteria provided, single submitter. Criteria: ICSL Variant Classification Criteria 13 December 2019. Collection method: clinical testing. Allele origin: germline.
Comment: This variant was observed in the ICSL laboratory as part of a predisposition screen in an ostensibly healthy population. It had not been previously curated by ICSL or reported in the Human Gene Mutation Database (HGMD: prior to June 1st, 2018), and was therefore a candidate for classification through an automated scoring system. Utilizing variant allele frequency, disease prevalence and penetrance estimates, and inheritance mode, an automated score was calculated to assess if this variant is too frequent to cause the disease. Based on the score and internal cut-off values, a variant classified as benign is not then subjected to further curation. The score for this variant resulted in a classification of benign for this disease.